The following is an entry in ClinVar:

NM_000458.4(HNF1B):c.545-73TCTG[7]

Genes: HNF1B (HNF1 homeobox B; minus strand), LOC126862549 (BRD4-independent group 4 enhancer GRCh37_chr17:36093401-36094600; plus strand). Cytogenetic location: 17q12.
Variant type: Microsatellite.
Coding change: c.545-73TCTG[7] on transcript NM_000458.4 (MANE Select); seven copies in a row of the 4-base unit TCTG starting at c.545-73; the reference has six copies in a row; one copy, 4 bases duplicated.
Molecular consequence: intron variant.
Genome position (GRCh38, 1-based): chr17:37,733,871-37,733,874, CAGA duplicated on the plus strand (TCTG on the coding strand, the reverse complement: HNF1B is on the minus strand); duplicating any 4 consecutive bases within chr17:37,733,871-37,733,896 gives the same sequence; the position shown is the placement nearest the transcript's 3' end. VCF-style (leftmost placement, unchanged base first): chr17-37733870-G-GCAGA. GRCh37 (hg19) VCF-style: chr17-36093863-G-GCAGACAGA.
Other names: c.545-151TCTG[7] (NM_001304286.2, NM_001165923.4).
Identifiers: ClinVar variation 676875 (VCV000676875.1), dbSNP rs3216929, ClinGen allele CA290283834.

ClinVar aggregate classification (germline): Benign (1 of 4 stars; one submission).

Submission:

GeneDx
Classification: Benign. Last evaluated: 2018-06-20. Review status: criteria provided, single submitter. Criteria: GeneDx Variant Classification (06012015). Collection method: clinical testing. Allele origin: germline. Affected: yes.
Comment: This variant is considered likely benign or benign based on one or more of the following criteria: it is a conservative change, it occurs at a poorly conserved position in the protein, it is predicted to be benign by multiple in silico algorithms, and/or has population frequency not consistent with disease.